The following is an entry in ClinVar:

ClinVar aggregate classification (germline): Uncertain significance (1 of 4 stars; one submission).

Conditions:
Inborn genetic diseases. Identifiers: MedGen C0950123, MeSH D030342.

Submission:

Ambry Genetics
Classification: Uncertain significance for Inborn genetic diseases. Last evaluated: 2026-04-22. Review status: criteria provided, single submitter. Criteria: Ambry Variant Classification Scheme 2023. Collection method: clinical testing. Allele origin: germline.
Comment: The p.N502K variant (also known as c.1506C>A), located in coding exon 17 of the RTEL1 gene, results from a C to A substitution at nucleotide position 1506. The asparagine at codon 502 is replaced by lysine, an amino acid with similar properties. This amino acid position is conserved. In addition, the in silico prediction for this alteration is inconclusive. Based on the available evidence, the clinical significance of this variant remains unclear.

NM_001283009.2(RTEL1):c.1506C>A (p.Asn502Lys)

Genes: RTEL1 (regulator of telomere elongation helicase 1; plus strand), RTEL1-TNFRSF6B (RTEL1-TNFRSF6B readthrough (NMD candidate); plus strand). Cytogenetic location: 20q13.33.
Variant type: single nucleotide variant.
Coding change: c.1506C>A on transcript NM_001283009.2 (MANE Select); coding-DNA position 1506, C replaced by A.
Protein change: p.Asn502Lys; replaces asparagine 502 with lysine.
Molecular consequence: missense variant. On other transcripts: non-coding transcript variant (1).
Genome position (GRCh38, 1-based): chr20:63,687,961, C>A. VCF-style: chr20-63687961-C-A. GRCh37 (hg19) VCF-style: chr20-62319314-C-A.
Other names: c.837C>A, p.Asn279Lys (NM_001283010.1); c.1506C>A, p.Asn502Lys (NM_016434.4); c.1578C>A, p.Asn526Lys (NM_032957.5); short protein forms N279K, N502K, N526K.
Identifiers: ClinVar variation 4863569 (VCV004863569.1).
Genomic context (GRCh38, chr20:63,687,961, plus strand): 5'-ACTTCCCCACTGTCTGCTCCCTCTGGCCACGCTCAGCCCTTTCCCAGTCTGCCTGGAGAA[C>A]CCACACATCATCGACAAGCACCAGATCTGGGTGGGGGTCGTCCCCAGAGGCCCCGATGGA-3'
Protein context (NP_001269938.1, residues 492-512): MQIPFPVCLE[Asn502Lys]PHIIDKHQIW